The following is an entry in ClinVar:

ClinVar aggregate classification (germline): Uncertain significance. Review status: criteria provided, multiple submitters, no conflicts (2 of 4 stars). 2 submissions from 2 submitters: Uncertain significance (2). Last evaluated 2025-04-04.

Allele frequency attached by ClinVar (database versions not stated): ExAC 0.00001.
gnomAD v4.1: 18 of 1,610,754 alleles (0.0011%); highest among the groups gnomAD compares: African/African-American, 0.019%; no homozygotes.

Submissions (2):

Ambry Genetics
Classification: Uncertain significance. Last evaluated: 2025-04-04. Review status: criteria provided, single submitter. Criteria: Ambry Variant Classification Scheme 2023. Collection method: clinical testing. Allele origin: germline.

Labcorp Genetics (formerly Invitae), Labcorp
Classification: Uncertain significance. Last evaluated: 2023-06-04. Review status: criteria provided, single submitter. Criteria: Invitae Variant Classification Sherloc (09022015). Collection method: clinical testing. Allele origin: germline.
Comment: This variant has not been reported in the literature in individuals affected with PIK3C2A-related conditions. This variant is present in population databases (rs112584158, gnomAD 0.01%). This sequence change replaces cysteine, which is neutral and slightly polar, with phenylalanine, which is neutral and non-polar, at codon 908 of the PIK3C2A protein (p.Cys908Phe). An algorithm developed to predict the effect of missense changes on protein structure and function (PolyPhen-2) suggests that this variant is likely to be disruptive. In summary, the available evidence is currently insufficient to determine the role of this variant in disease. Therefore, it has been classified as a Variant of Uncertain Significance. Algorithms developed to predict the effect of sequence changes on RNA splicing suggest that this variant may disrupt the consensus splice site.

NM_002645.4(PIK3C2A):c.2723G>T (p.Cys908Phe)

Gene: PIK3C2A (phosphatidylinositol-4-phosphate 3-kinase catalytic subunit type 2 alpha; minus strand). Cytogenetic location: 11p15.1.
Variant type: single nucleotide variant.
Coding change: c.2723G>T on transcript NM_002645.4 (MANE Select); coding-DNA position 2723, G replaced by T.
Protein change: p.Cys908Phe; replaces cysteine 908 with phenylalanine.
Molecular consequence: missense variant.
Genome position (GRCh38, 1-based): chr11:17,119,909, C>A on the plus strand (G>T on the coding strand, the complement: PIK3C2A is on the minus strand). VCF-style: chr11-17119909-C-A. GRCh37 (hg19) VCF-style: chr11-17141456-C-A.
Other names: c.2723G>T (NM_002645.2); c.2723G>T, p.Cys908Phe (NM_001321378.2); c.1583G>T, p.Cys528Phe (NM_001321380.2); c.2555G>T, p.Cys852Phe (NM_001386870.1); short protein forms C908F, C528F, C852F.
Identifiers: ClinVar variation 2898880 (VCV002898880.4), dbSNP rs112584158, ClinGen allele CA5901018.